The following is an entry in ClinVar:

ClinVar aggregate classification (germline): Uncertain significance. Review status: criteria provided, multiple submitters, no conflicts (2 of 4 stars). 2 submissions from 2 submitters: Uncertain significance (2). Last evaluated 2026-04-01.

Conditions:
Frontotemporal dementia and/or amyotrophic lateral sclerosis 4. Also called: FTDALS4. Identifiers: Orphanet 275872, MedGen C4225325, MONDO:0014641, OMIM 616439.

Allele frequency attached by ClinVar (database versions not stated): ExAC 0.00001; gnomAD 0.00001; gnomAD exomes 0.00002; TOPMed 0.00002.
gnomAD v4.1: 13 of 1,613,784 alleles (0.00081%); highest among the groups gnomAD compares: Admixed American, 0.02%; no homozygotes.

Submissions (2):

CeGaT Center for Human Genetics Tuebingen
Classification: Uncertain significance. Last evaluated: 2026-04-01. Review status: criteria provided, single submitter. Criteria: CeGaT Center For Human Genetics Tuebingen Variant Classification Criteria Version 2. Collection method: clinical testing. Allele origin: germline. Affected: yes. Observed: 1 variant allele.

Labcorp Genetics (formerly Invitae), Labcorp
Classification: Uncertain significance for Frontotemporal dementia and/or amyotrophic lateral sclerosis 4. Last evaluated: 2023-05-14. Review status: criteria provided, single submitter. Criteria: Invitae Variant Classification Sherloc (09022015). Collection method: clinical testing. Allele origin: germline.
Comment: This variant is present in population databases (rs772228477, gnomAD 0.02%). This sequence change replaces glycine, which is neutral and non-polar, with aspartic acid, which is acidic and polar, at codon 722 of the TBK1 protein (p.Gly722Asp). In summary, the available evidence is currently insufficient to determine the role of this variant in disease. Therefore, it has been classified as a Variant of Uncertain Significance. Advanced modeling of protein sequence and biophysical properties (such as structural, functional, and spatial information, amino acid conservation, physicochemical variation, residue mobility, and thermodynamic stability) performed at Invitae indicates that this missense variant is not expected to disrupt TBK1 protein function. This missense change has been observed in individual(s) with clinical features of TBK1-related amyotrophic lateral sclerosis (Invitae).

NM_013254.4(TBK1):c.2165G>A (p.Gly722Asp)

Gene: TBK1 (TANK binding kinase 1; plus strand). Cytogenetic location: 12q14.2.
Variant type: single nucleotide variant.
Coding change: c.2165G>A on transcript NM_013254.4 (MANE Select); coding-DNA position 2165, G replaced by A.
Protein change: p.Gly722Asp; replaces glycine 722 with aspartic acid.
Molecular consequence: missense variant.
Genome position (GRCh38, 1-based): chr12:64,501,356, G>A. VCF-style: chr12-64501356-G-A. GRCh37 (hg19) VCF-style: chr12-64895136-G-A.
Other names: short protein forms G722D.
Identifiers: ClinVar variation 2901231 (VCV002901231.5), dbSNP rs772228477, ClinGen allele CA6669284.